The following is an entry in ClinVar:

NM_005732.4(RAD50):c.1452+5G>A

Gene: RAD50 (RAD50 double strand break repair protein; plus strand). Cytogenetic location: 5q31.1.
Variant type: single nucleotide variant.
Coding change: c.1452+5G>A on transcript NM_005732.4 (MANE Select); 5 bases into the intron after coding-DNA position 1452, G replaced by A.
Molecular consequence: intron variant.
Genome position (GRCh38, 1-based): chr5:132,589,842, G>A. VCF-style: chr5-132589842-G-A. GRCh37 (hg19) VCF-style: chr5-131925534-G-A.
Identifiers: ClinVar variation 934874 (VCV000934874.8), dbSNP rs1750667598, ClinGen allele CA1139659059.

ClinVar aggregate classification (germline): Uncertain significance (1 of 4 stars; one submission).

Conditions:
Hereditary cancer-predisposing syndrome. Also called: Neoplastic Syndromes, Hereditary; Hereditary Cancer Syndrome; Hereditary neoplastic syndrome; Tumor predisposition. Identifiers: Orphanet 140162, MedGen C0027672, MeSH D009386, MONDO:0015356.

Submission:

Labcorp Genetics (formerly Invitae), Labcorp
Classification: Uncertain significance for Hereditary cancer-predisposing syndrome. Last evaluated: 2019-07-31. Review status: criteria provided, single submitter. Criteria: Invitae Variant Classification Sherloc (09022015). Collection method: clinical testing. Allele origin: germline.
Comment: In summary, the available evidence is currently insufficient to determine the role of this variant in disease. Therefore, it has been classified as a Variant of Uncertain Significance. Nucleotide substitutions within the consensus splice site are a relatively common cause of aberrant splicing (PMID: 17576681, 9536098). Algorithms developed to predict the effect of sequence changes on RNA splicing suggest that this variant may disrupt the consensus splice site, but this prediction has not been confirmed by published transcriptional studies. This variant has not been reported in the literature in individuals with RAD50-related conditions. This variant is not present in population databases (ExAC no frequency). This sequence change falls in intron 9 of the RAD50 gene. It does not directly change the encoded amino acid sequence of the RAD50 protein, but it affects a nucleotide within the consensus splice site of the intron.

Literature cited by the submitters: PubMed 17576681; PubMed 9536098.